The following is an entry in ClinVar:

ClinVar aggregate classification (germline): Pathogenic. Review status: criteria provided, multiple submitters, no conflicts (2 of 4 stars). 2 submissions from 2 submitters: Pathogenic (2). Last evaluated 2025-10-07.

Conditions:
Familial hypokalemia-hypomagnesemia (GTLMNS). Also called: HYPOMAGNESEMIA-HYPOKALEMIA, PRIMARY RENOTUBULAR, WITH HYPOCALCIURIA; POTASSIUM AND MAGNESIUM DEPLETION; gitelman syndrome. Identifiers: Orphanet 358, MedGen C0268450, MONDO:0009904, OMIM 263800.

Submissions (2):

Women's Health and Genetics/Laboratory Corporation of America, LabCorp
Classification: Pathogenic for Familial hypokalemia-hypomagnesemia. Last evaluated: 2025-10-07. Review status: criteria provided, single submitter. Criteria: LabCorp Variant Classification Summary - May 2015. Collection method: clinical testing. Allele origin: germline.
Comment: Variant summary: SLC12A3 c.2447T>A (p.Leu816X) results in a premature termination codon, predicted to cause a truncation of the encoded protein or absence of the protein due to nonsense mediated decay, which are commonly known mechanisms for disease. Consensus agreement among computation tools predict no significant impact on normal splicing. However, these predictions have yet to be confirmed by functional studies. The variant allele was found at a frequency of 4e-06 in 249902 control chromosomes. To our knowledge, no occurrence of c.2447T>A in individuals affected with SLC12A3-related conditions and no experimental evidence demonstrating its impact on protein function have been reported. ClinVar contains an entry for this variant (Variation ID: 1443034). Based on the evidence outlined above, the variant was classified as pathogenic.

Labcorp Genetics (formerly Invitae), Labcorp
Classification: Pathogenic. Last evaluated: 2020-11-10. Review status: criteria provided, single submitter. Criteria: Invitae Variant Classification Sherloc (09022015). Collection method: clinical testing. Allele origin: germline.
Comment: This sequence change creates a premature translational stop signal (p.Leu816*) in the SLC12A3 gene. It is expected to result in an absent or disrupted protein product. Loss-of-function variants in SLC12A3 are known to be pathogenic (PMID: 20848653, 22009145, 25841442). This variant is present in population databases (rs759039589, ExAC 0.002%). This variant has not been reported in the literature in individuals with SLC12A3-related conditions. For these reasons, this variant has been classified as Pathogenic.

Literature cited by the submitters: PubMed 20848653 (cited by Labcorp Genetics (formerly Invitae), Labcorp); PubMed 22009145 (cited by Labcorp Genetics (formerly Invitae), Labcorp); PubMed 25841442 (cited by Labcorp Genetics (formerly Invitae), Labcorp).

NM_001126108.2(SLC12A3):c.2420T>A (p.Val807Glu)

Gene: SLC12A3 (solute carrier family 12 member 3; plus strand). Cytogenetic location: 16q13.
Variant type: single nucleotide variant.
Coding change: c.2420T>A on transcript NM_001126108.2 (MANE Select); coding-DNA position 2420, T replaced by A.
Protein change: p.Val807Glu; replaces valine 807 with glutamic acid.
Molecular consequence: missense variant. On other transcripts: nonsense (2).
Genome position (GRCh38, 1-based): chr16:56,892,953, T>A. VCF-style: chr16-56892953-T-A. GRCh37 (hg19) VCF-style: chr16-56926865-T-A.
Other names: c.2447T>A, p.Leu816Ter (NM_000339.3); c.2444T>A, p.Leu815Ter (NM_001126107.2); short protein forms L815*, L816*, V807E.
Identifiers: ClinVar variation 1443034 (VCV001443034.7), dbSNP rs759039589, ClinGen allele CA8069916.